The following is an entry in ClinVar:

NM_000059.4(BRCA2):c.9768G>C (p.Glu3256Asp)

Gene: BRCA2 (BRCA2 DNA repair associated; plus strand). Cytogenetic location: 13q13.1.
Variant type: single nucleotide variant.
Coding change: c.9768G>C on transcript NM_000059.4 (MANE Select); coding-DNA position 9768, G replaced by C.
Protein change: p.Glu3256Asp; replaces glutamic acid 3256 with aspartic acid.
Molecular consequence: missense variant.
Genome position (GRCh38, 1-based): chr13:32,398,281, G>C. VCF-style: chr13-32398281-G-C. GRCh37 (hg19) VCF-style: chr13-32972418-G-C.
Other names: c.9672G>C, p.Glu3224Asp (NM_001406719.1); c.9717G>C, p.Glu3239Asp (NM_001406720.1); c.4836G>C, p.Glu1612Asp (NM_001406721.1); c.3351G>C, p.Glu1117Asp (NM_001406722.1); short protein forms E1612D, E3256D, E1117D, E3224D, E3239D.
Identifiers: ClinVar variation 1768124 (VCV001768124.2), dbSNP rs2137663659, ClinGen allele CA387765795.

ClinVar aggregate classification (germline): Uncertain significance (1 of 4 stars; one submission).

Conditions:
Hereditary cancer-predisposing syndrome. Also called: Hereditary Cancer Syndrome; Hereditary neoplastic syndrome; Neoplastic Syndromes, Hereditary; Tumor predisposition. Identifiers: Orphanet 140162, MedGen C0027672, MeSH D009386, MONDO:0015356.

Submission:

Ambry Genetics
Classification: Uncertain significance for Hereditary cancer-predisposing syndrome. Last evaluated: 2022-08-23. Review status: criteria provided, single submitter. Criteria: Ambry Variant Classification Scheme 2023. Collection method: clinical testing. Allele origin: germline.
Comment: The p.E3256D variant (also known as c.9768G>C), located in coding exon 26 of the BRCA2 gene, results from a G to C substitution at nucleotide position 9768. The glutamic acid at codon 3256 is replaced by aspartic acid, an amino acid with highly similar properties. This amino acid position is conserved. In addition, this alteration is predicted to be tolerated by in silico analysis. Since supporting evidence is limited at this time, the clinical significance of this alteration remains unclear.